The following is an entry in ClinVar:

NM_014014.5(SNRNP200):c.5137TTC[1] (p.Phe1714del)

Genes: SNRNP200 (small nuclear ribonucleoprotein U5 subunit 200; minus strand), LOC126806272 (BRD4-independent group 4 enhancer GRCh37_chr2:96944520-96945719; plus strand). Cytogenetic location: 2q11.2.
Variant type: Microsatellite.
Coding change: c.5137TTC[1] on transcript NM_014014.5 (MANE Select); one copy of the 3-base unit TTC starting at c.5137; the reference has two copies in a row; one copy, 3 bases deleted.
Protein change: p.Phe1714del; deletes phenylalanine 1714.
Molecular consequence: inframe deletion.
Genome position (GRCh38, 1-based): chr2:96,278,990-96,278,992, GAA deleted on the plus strand (TTC on the coding strand, the reverse complement: SNRNP200 is on the minus strand); deleting any 3 consecutive bases within chr2:96,278,990-96,278,995 gives the same sequence; the position shown is the placement nearest the transcript's 3' end. VCF-style (leftmost placement, unchanged base first): chr2-96278989-TGAA-T. GRCh37 (hg19) VCF-style: chr2-96944727-TGAA-T.
Other names: short protein forms F1714del.
Identifiers: ClinVar variation 4983433 (VCV004983433.1).
Genomic context (GRCh38, chr2:96,278,989, plus strand): 5'-GGTCATGCATACAGTGGTCCAGGTGAGATTCTACTGGCAATGGCTCATATAAGAACTTCT[TGAA>T]GAAATCCTGTGGGTTGGAGAGGGAGAAGGAGTAATAAAGAATTAGTGACAACACGGTCAC-3'

ClinVar aggregate classification (germline): Uncertain significance (1 of 4 stars; one submission).

Conditions:
SNRNP200-related disorder. Also called: SNRNP200-related condition.

Submission:

PreventionGenetics, part of Exact Sciences
Classification: Uncertain significance for SNRNP200-related condition. Last evaluated: 2026-03-22. Review status: criteria provided, single submitter. Criteria: ACMG Guidelines, 2015. Collection method: clinical testing. Allele origin: germline.
Comment: The SNRNP200 c.5140_5142delTTC variant is predicted to result in an in-frame deletion (p.Phe1714del). To our knowledge, this variant has not been reported in the literature or in a large population database (gnomAD), indicating this variant is rare. Although we suspect that this variant may be pathogenic, at this time, the clinical significance of this variant is uncertain due to the absence of conclusive functional and genetic evidence.